The following is an entry in ClinVar:

NM_001723.7(DST):c.4435G>A (p.Glu1479Lys)

Gene: DST (dystonin; minus strand). Cytogenetic location: 6p12.1.
Variant type: single nucleotide variant.
Coding change: c.4435G>A on transcript NM_001723.7 (MANE Plus Clinical); coding-DNA position 4435, G replaced by A.
Protein change: p.Glu1479Lys; replaces glutamic acid 1479 with lysine.
Molecular consequence: missense variant. On other transcripts: intron variant (10).
Genome position (GRCh38, 1-based): chr6:56,619,599, C>T on the plus strand (G>A on the coding strand, the complement: DST is on the minus strand). VCF-style: chr6-56619599-C-T. GRCh37 (hg19) VCF-style: chr6-56484397-C-T.
Other names: c.4830+4931G>A (NM_001144769.5); c.4929+4931G>A (NM_001374722.1, NM_001374736.1); c.4956+4931G>A (NM_001374734.1); c.4416+4931G>A (NM_001144770.2); c.4296+4931G>A (NM_001374730.1, NM_001386100.1, NM_183380.4 and 1 more transcripts); c.3318+4931G>A (NM_015548.5); short protein forms E1479K.
Identifiers: ClinVar variation 958152 (VCV000958152.10), dbSNP rs2098667036, ClinGen allele CA364569686.

ClinVar aggregate classification (germline): Uncertain significance (1 of 4 stars; one submission).

Conditions:
Epidermolysis bullosa simplex 3, localized or generalized intermediate, with BP230 deficiency (EBS3). Also called: Epidermolysis bullosa simplex due to BP230 deficiency; Epidermolysis bullosa simplex, autosomal recessive 2. Identifiers: Orphanet 412181, MedGen C3809470, MONDO:0014180, OMIM 615425.
Hereditary sensory and autonomic neuropathy type 6. Also called: Neuropathy, hereditary sensory and autonomic, type VI; HSAN VI. Identifiers: Orphanet 314381, MedGen C3539003, MONDO:0013839, OMIM 614653.

Submission:

Labcorp Genetics (formerly Invitae), Labcorp
Classification: Uncertain significance for Epidermolysis bullosa simplex 3, localized or generalized intermediate, with BP230 deficiency; Hereditary sensory and autonomic neuropathy type 6. Last evaluated: 2019-09-19. Review status: criteria provided, single submitter. Criteria: Invitae Variant Classification Sherloc (09022015). Collection method: clinical testing. Allele origin: germline.
Comment: Algorithms developed to predict the effect of missense changes on protein structure and function are either unavailable or do not agree on the potential impact of this missense change (SIFT: "Tolerated"; PolyPhen-2: "Probably Damaging"; Align-GVGD: "Class C0"). In summary, the available evidence is currently insufficient to determine the role of this variant in disease. Therefore, it has been classified as a Variant of Uncertain Significance. This variant has not been reported in the literature in individuals with DST-related conditions. This variant is not present in population databases (ExAC no frequency). This sequence change replaces glutamic acid with lysine at codon 1479 of the DST protein (p.Glu1479Lys). The glutamic acid residue is weakly conserved and there is a small physicochemical difference between glutamic acid and lysine.